The following is an entry in ClinVar:

ClinVar aggregate classification (germline): Uncertain significance (1 of 4 stars; one submission).

Conditions:
Emery-Dreifuss muscular dystrophy 5, autosomal dominant (EDMD5). Also called: EMERY-DREIFUSS MUSCULAR DYSTROPHY 5. Identifiers: Orphanet 261, MedGen C2751805, MONDO:0013072, OMIM 612999.

Submission:

Labcorp Genetics (formerly Invitae), Labcorp
Classification: Uncertain significance for Emery-Dreifuss muscular dystrophy 5, autosomal dominant. Last evaluated: 2025-10-21. Review status: criteria provided, single submitter. Criteria: Invitae Variant Classification Sherloc (09022015). Collection method: clinical testing. Allele origin: germline.
Comment: This sequence change replaces aspartic acid, which is acidic and polar, with asparagine, which is neutral and polar, at codon 205 of the SYNE2 protein (p.Asp205Asn). This variant is present in population databases (rs773742506, gnomAD 0.003%). This variant has not been reported in the literature in individuals affected with SYNE2-related conditions. An algorithm developed to predict the effect of missense changes on protein structure and function (PolyPhen-2) suggests that this variant is likely to be disruptive. In summary, the available evidence is currently insufficient to determine the role of this variant in disease. Therefore, it has been classified as a Variant of Uncertain Significance.

NM_182914.3(SYNE2):c.613G>A (p.Asp205Asn)

Gene: SYNE2 (spectrin repeat containing nuclear envelope protein 2; plus strand). Cytogenetic location: 14q23.2.
Variant type: single nucleotide variant.
Coding change: c.613G>A on transcript NM_182914.3 (MANE Select); coding-DNA position 613, G replaced by A.
Protein change: p.Asp205Asn; replaces aspartic acid 205 with asparagine.
Molecular consequence: missense variant.
Genome position (GRCh38, 1-based): chr14:63,954,741, G>A. VCF-style: chr14-63954741-G-A. GRCh37 (hg19) VCF-style: chr14-64421459-G-A.
Other names: c.613G>A, p.Asp205Asn (NM_015180.6); short protein forms D205N.
Identifiers: ClinVar variation 4797748 (VCV004797748.1).